The following is an entry in ClinVar:

ClinVar aggregate classification (germline): Uncertain significance (1 of 4 stars; one submission).

Conditions:
Early-infantile DEE. Also called: Ohtahara syndrome; Early infantile epileptic encephalopathy; Early infantile epileptic encephalopathy with suppression bursts. Identifiers: Orphanet 1934, MedGen C0393706, MONDO:0800491.

Submission:

Labcorp Genetics (formerly Invitae), Labcorp
Classification: Uncertain significance for Early-infantile DEE. Last evaluated: 2023-08-29. Review status: criteria provided, single submitter. Criteria: Invitae Variant Classification Sherloc (09022015). Collection method: clinical testing. Allele origin: germline.
Comment: In summary, the available evidence is currently insufficient to determine the role of this variant in disease. Therefore, it has been classified as a Variant of Uncertain Significance. This sequence change replaces proline, which is neutral and non-polar, with leucine, which is neutral and non-polar, at codon 707 of the SCN1A protein (p.Pro707Leu). This variant is not present in population databases (gnomAD no frequency). This variant has not been reported in the literature in individuals affected with SCN1A-related conditions. Advanced modeling of protein sequence and biophysical properties (such as structural, functional, and spatial information, amino acid conservation, physicochemical variation, residue mobility, and thermodynamic stability) performed at Invitae indicates that this missense variant is expected to disrupt SCN1A protein function.

NM_001165963.4(SCN1A):c.2120C>T (p.Pro707Leu)

Gene: SCN1A (sodium voltage-gated channel alpha subunit 1; minus strand). Cytogenetic location: 2q24.3.
Variant type: single nucleotide variant.
Coding change: c.2120C>T on transcript NM_001165963.4 (MANE Select); coding-DNA position 2120, C replaced by T.
Protein change: p.Pro707Leu; replaces proline 707 with leucine.
Molecular consequence: missense variant. On other transcripts: 5 prime UTR variant (1), non-coding transcript variant (1).
Genome position (GRCh38, 1-based): chr2:166,042,348, G>A on the plus strand (C>T on the coding strand, the complement: SCN1A is on the minus strand). VCF-style: chr2-166042348-G-A. GRCh37 (hg19) VCF-style: chr2-166898858-G-A.
Other names: c.2036C>T, p.Pro679Leu (NM_001165964.3, NM_001353957.2, NM_001353958.2); c.2120C>T, p.Pro707Leu (NM_001202435.3, NM_001353948.2); c.2087C>T, p.Pro696Leu (NM_001353949.2, NM_001353950.2, NM_001353951.2 and 2 more transcripts); c.2084C>T, p.Pro695Leu (NM_001353954.2, NM_001353955.2); c.2033C>T, p.Pro678Leu (NM_001353960.2); c.-339C>T (NM_001353961.2); short protein forms P678L, P695L, P679L, P696L, P707L.
Identifiers: ClinVar variation 2756305 (VCV002756305.3), dbSNP rs2468141177, ClinGen allele CA349065832.